The following is an entry in ClinVar:

NM_000660.7(TGFB1):c.348C>T (p.Thr116=)

Genes: TGFB1 (transforming growth factor beta 1; minus strand), LOC130064510 (ATAC-STARR-seq lymphoblastoid silent region 10661; plus strand). Cytogenetic location: 19q13.2.
Variant type: single nucleotide variant.
Coding change: c.348C>T on transcript NM_000660.7 (MANE Select); coding-DNA position 348, C replaced by T.
Protein change: p.Thr116=; no amino-acid change (threonine 116 retained).
Molecular consequence: synonymous variant.
Genome position (GRCh38, 1-based): chr19:41,352,697, G>A on the plus strand (C>T on the coding strand, the complement: TGFB1 is on the minus strand). VCF-style: chr19-41352697-G-A. GRCh37 (hg19) VCF-style: chr19-41858602-G-A.
Other names: c.348C>T (NM_000660.4).
Identifiers: ClinVar variation 978503 (VCV000978503.41), dbSNP rs56281462, ClinGen allele CA9460140.

ClinVar aggregate classification (germline): Benign/Likely benign. Review status: criteria provided, multiple submitters, no conflicts (2 of 4 stars). 6 submissions from 6 submitters: Benign (2); Likely benign (2). 2 of the submissions do not count toward it. Last evaluated 2026-09-01.

Conditions:
Inborn genetic diseases. Identifiers: MedGen C0950123, MeSH D030342.

Allele frequency attached by ClinVar (database versions not stated): 1000 Genomes Project 30x 0.00078; 1000 Genomes Project 0.00080; TOPMed 0.00257; ESP Exome Variant Server 0.00285; gnomAD 0.00287 and 0.00288; gnomAD exomes 0.00288 and 0.00354; ExAC 0.00309.
gnomAD v4.1: 5,562 of 1,613,470 alleles (0.34%); highest among the groups gnomAD compares: Non-Finnish European, 0.4%; 25 homozygotes.

Submissions (6):

CeGaT Center for Human Genetics Tuebingen
Classification: Likely benign. Last evaluated: 2026-09-01. Review status: criteria provided, single submitter. Criteria: CeGaT Center For Human Genetics Tuebingen Variant Classification Criteria Version 2. Collection method: clinical testing. Allele origin: germline. Affected: yes. Observed: 25 variant alleles.
Comment: TGFB1: BP4, BP7, BS2

Labcorp Genetics (formerly Invitae), Labcorp
Classification: Benign. Last evaluated: 2026-02-04. Review status: criteria provided, single submitter. Criteria: Invitae Variant Classification Sherloc (09022015). Collection method: clinical testing. Allele origin: germline.

Ambry Genetics
Classification: Likely benign for Inborn genetic diseases. Last evaluated: 2023-06-27. Review status: criteria provided, single submitter. Criteria: Ambry Variant Classification Scheme 2023. Collection method: clinical testing. Allele origin: germline.

Breakthrough Genomics
Classification: Benign. Review status: criteria provided, single submitter. Criteria: ACMG Guidelines, 2015. Collection method: not provided. Allele origin: germline. Inheritance: Autosomal recessive inheritance. Affected: yes.

Clinical Genetics DNA and cytogenetics Diagnostics Lab, Erasmus MC, Erasmus Medical Center
Classification: Likely benign. Review status: no assertion criteria provided. Collection method: clinical testing. Allele origin: germline. Affected: yes. Study: VKGL Data-share Consensus. Not counted in ClinVar's aggregate classification.

Genome Diagnostics Laboratory, University Medical Center Utrecht
Classification: Likely benign. Review status: no assertion criteria provided. Collection method: clinical testing. Allele origin: germline. Affected: yes. Study: VKGL Data-share Consensus. Not counted in ClinVar's aggregate classification.